The following is an entry in ClinVar:

ClinVar aggregate classification (germline): Likely pathogenic (1 of 4 stars; one submission).

Conditions:
Neurodegeneration, infantile-onset, biotin-responsive. Also called: SODIUM-DEPENDENT MULTIVITAMIN TRANSPORTER DEFICIENCY; SMVT DEFICIENCY. Identifiers: Orphanet 521268, MedGen C5436520, MONDO:0033546, OMIM 618973.

Submission:

Department of Genetic, Henri Mondor Hospital, Assistance Publique des Hôpitaux de Paris
Classification: Likely pathogenic for Neurodegeneration, infantile-onset, biotin-responsive. Review status: criteria provided, single submitter. Criteria: ACMG Guidelines, 2015. Collection method: clinical testing, in vitro. Allele origin: biparental, not applicable. Inheritance: Autosomal recessive inheritance. Affected: yes. Observed: 1 homozygote. Functional consequence: cryptic splice acceptor activation.
Comment: This variant is absent from controls databases. RNA targeted analysis has been performed and showed retention of 18 nucleotides in cDNA corresponding to a part of intron 4 due to the creation of a cryptic acceptor site. This insertion is in frame and could led to the addition of 6 AA in the fourth transmembrane domain of the transporter.

NM_021095.4(SLC5A6):c.460-19T>G

Gene: SLC5A6 (solute carrier family 5 member 6; minus strand). Cytogenetic location: 2p23.3.
Variant type: single nucleotide variant.
Coding change: c.460-19T>G on transcript NM_021095.4 (MANE Select); 19 bases into the intron before coding-DNA position 460, T replaced by G.
Molecular consequence: intron variant.
Genome position (GRCh38, 1-based): chr2:27,206,553, A>C on the plus strand (T>G on the coding strand, the complement: SLC5A6 is on the minus strand). VCF-style: chr2-27206553-A-C. GRCh37 (hg19) VCF-style: chr2-27429421-A-C.
Identifiers: ClinVar variation 2507024 (VCV002507024.3), dbSNP rs2466102230, ClinGen allele CA2580611604.